The following is an entry in ClinVar:

ClinVar aggregate classification (germline): Uncertain significance (1 of 4 stars; one submission).

Conditions:
Hyperphosphatasia with intellectual disability syndrome 5 (GPIBD11). Also called: GLYCOSYLPHOSPHATIDYLINOSITOL BIOSYNTHESIS DEFECT 11. Identifiers: Orphanet 247262, MedGen C4014958, MONDO:0014457, OMIM 616025.

Submission:

Labcorp Genetics (formerly Invitae), Labcorp
Classification: Uncertain significance for Hyperphosphatasia with intellectual disability syndrome 5. Last evaluated: 2022-10-17. Review status: criteria provided, single submitter. Criteria: Invitae Variant Classification Sherloc (09022015). Collection method: clinical testing. Allele origin: germline.
Comment: This sequence change creates a premature translational stop signal (p.Trp236*) in the PIGW gene. While this is not anticipated to result in nonsense mediated decay, it is expected to disrupt the last 269 amino acid(s) of the PIGW protein. This variant is present in population databases (rs764773930, gnomAD 0.01%). This variant has not been reported in the literature in individuals affected with PIGW-related conditions. ClinVar contains an entry for this variant (Variation ID: 1448748). Experimental studies and prediction algorithms are not available or were not evaluated, and the functional significance of this variant is currently unknown. In summary, the available evidence is currently insufficient to determine the role of this variant in disease. Therefore, it has been classified as a Variant of Uncertain Significance.

NM_001346754.2(PIGW):c.708del (p.His235_Trp236insTer)

Genes: MYO19 (myosin XIX; minus strand), PIGW (phosphatidylinositol glycan anchor biosynthesis class W; plus strand). Cytogenetic location: 17q12.
Variant type: Deletion.
Coding change: c.708del on transcript NM_001346754.2 (MANE Select); coding-DNA position 708, one base deleted (G; older notation c.708delG).
Protein change: p.His235_Trp236insTer.
Molecular consequence: nonsense.
Genome position (GRCh38, 1-based): chr17:36,537,809, G deleted; the last of 2 consecutive G bases (chr17:36,537,808-36,537,809); deleting either gives the same sequence. VCF-style (leftmost placement, unchanged base first): chr17-36537807-TG-T. GRCh37 (hg19) VCF-style: chr17-34893656-TG-T.
Other names: c.708del, p.His235_Trp236insTer (NM_001346755.2, NM_178517.5).
Identifiers: ClinVar variation 1448748 (VCV001448748.8), dbSNP rs764773930, ClinGen allele CA290116197.